The following continues an entry in ClinVar:

NM_000539.3(RHO):c.1040C>T (p.Pro347Leu)

Gene: RHO. ClinVar aggregate classification (germline): Pathogenic/Likely pathogenic. Pathogenic (17); Likely pathogenic (2).

Submissions 15 to 22 of 22:

Ocular Genomics Institute, Massachusetts Eye and Ear
Classification: Pathogenic for Retinitis pigmentosa 4. Last evaluated: 2021-04-08. Review status: criteria provided, single submitter. Criteria: ACMG Guidelines, 2015. Collection method: research. Allele origin: germline. Affected: yes.
Comment: Through a review of available evidence we were able to apply the following criteria: PM2, PM5, PS3, PP1-M. Based on this evidence we have classified this variant as Pathogenic.

Institute of Medical Genetics and Applied Genomics, University Hospital Tübingen
Classification: Pathogenic. Last evaluated: 2020-10-23. Review status: criteria provided, single submitter. Criteria: ACMG Guidelines, 2015. Collection method: clinical testing. Allele origin: germline. Inheritance: Autosomal unknown. Affected: yes.

Centre for Genomic Medicine, Manchester, Central Manchester University Hospitals
Classification: Pathogenic for Retinitis pigmentosa 4. Last evaluated: 2020-09-01. Review status: criteria provided, single submitter. Criteria: ACMG Guidelines, 2015. Collection method: clinical testing. Allele origin: germline. Affected: yes. Observed: 7 heterozygotes.

Institute of Human Genetics, University of Leipzig Medical Center
Classification: Likely pathogenic for Retinitis pigmentosa 4. Last evaluated: 2019-01-01. Review status: criteria provided, single submitter. Criteria: ACMG Guidelines, 2015. Collection method: clinical testing. Allele origin: unknown. Affected: yes.

Centre for Mendelian Genomics, University Medical Centre Ljubljana
Classification: Pathogenic for Blurred vision; Night blindness; Peripheral visual field loss. Last evaluated: 2017-01-01. Review status: criteria provided, single submitter. Criteria: ACMG Guidelines, 2015. Collection method: clinical testing. Allele origin: unknown. Affected: yes.

NIHR Bioresource Rare Diseases, University of Cambridge
Classification: Likely pathogenic for Retinitis pigmentosa. Last evaluated: 2015-01-01. Review status: no assertion criteria provided. Collection method: research. Allele origin: unknown. Affected: yes. Observed: 1 variant allele. Not counted in ClinVar's aggregate classification.

OMIM
Classification: Pathogenic for RETINITIS PIGMENTOSA 4. Last evaluated: 2010-09-01. Review status: no assertion criteria provided. Collection method: literature only. Allele origin: germline. Not counted in ClinVar's aggregate classification.

Genomics England Pilot Project, Genomics England
Classification: Pathogenic for Retinitis pigmentosa 4. Review status: no assertion criteria provided. Criteria: ACGS Guidelines, 2016. Collection method: clinical testing. Allele origin: germline. Affected: yes. Not counted in ClinVar's aggregate classification.

Literature cited by the submitters: PubMed 20555336 (cited by 4 submitters); PubMed 2215617 (cited by 7 submitters); PubMed 25221422 (cited by 3 submitters); PubMed 11139241 (cited by 3billion and Institute of Human Genetics, Univ. Regensburg, Univ. Regensburg); PubMed 34088267 (cited by SingHealth Duke-NUS Institute of Precision Medicine); PubMed 21340525 (cited by SingHealth Duke-NUS Institute of Precision Medicine); PubMed 36909829 (cited by Ophthalmic Genetics Group, Institute of Molecular and Clinical Ophthalmology Basel); PubMed 2021172 (cited by Institute of Human Genetics, Univ. Regensburg, Univ. Regensburg); PubMed 18385078 (cited by Institute of Human Genetics, Univ. Regensburg, Univ. Regensburg); PubMed 18175313 (cited by Institute of Human Genetics, Univ. Regensburg, Univ. Regensburg); PubMed 21094163 (cited by Institute of Human Genetics, Univ. Regensburg, Univ. Regensburg); PubMed 22217031 (cited by Institute of Human Genetics, Univ. Regensburg, Univ. Regensburg); PubMed 26202387 (cited by Institute of Human Genetics, Univ. Regensburg, Univ. Regensburg); PubMed 26667666 (cited by Institute of Human Genetics, Univ. Regensburg, Univ. Regensburg); PubMed 28559085 (cited by Institute of Human Genetics, Univ. Regensburg, Univ. Regensburg); PubMed 31054281 (cited by Institute of Human Genetics, Univ. Regensburg, Univ. Regensburg); PubMed 31213501 (cited by Institute of Human Genetics, Univ. Regensburg, Univ. Regensburg); PubMed 30972525 (cited by Institute of Human Genetics, Univ. Regensburg, Univ. Regensburg); PubMed 30977563 (cited by Institute of Human Genetics, Univ. Regensburg, Univ. Regensburg); PubMed 31960602 (cited by Institute of Human Genetics, Univ. Regensburg, Univ. Regensburg); PubMed 31964843 (cited by Institute of Human Genetics, Univ. Regensburg, Univ. Regensburg); PubMed 33090715 (cited by Institute of Human Genetics, Univ. Regensburg, Univ. Regensburg); PubMed 32581362 (cited by Institute of Human Genetics, Univ. Regensburg, Univ. Regensburg); PubMed 32531858 (cited by Institute of Human Genetics, Univ. Regensburg, Univ. Regensburg); PubMed 31630094 (cited by Institute of Human Genetics, Univ. Regensburg, Univ. Regensburg); PubMed 33576794 (cited by Institute of Human Genetics, Univ. Regensburg, Univ. Regensburg); PubMed 33946315 (cited by Institute of Human Genetics, Univ. Regensburg, Univ. Regensburg); PubMed 33629268 (cited by Institute of Human Genetics, Univ. Regensburg, Univ. Regensburg); PubMed 33749171 (cited by Institute of Human Genetics, Univ. Regensburg, Univ. Regensburg); PubMed 34758253 (cited by Institute of Human Genetics, Univ. Regensburg, Univ. Regensburg); PubMed 33851411 (cited by Institute of Human Genetics, Univ. Regensburg, Univ. Regensburg); PubMed 35656873 (cited by Institute of Human Genetics, Univ. Regensburg, Univ. Regensburg); PubMed 36460718 (cited by Institute of Human Genetics, Univ. Regensburg, Univ. Regensburg); PubMed 36284460 (cited by Institute of Human Genetics, Univ. Regensburg, Univ. Regensburg); PubMed 36819107 (cited by Institute of Human Genetics, Univ. Regensburg, Univ. Regensburg); PubMed 28041643 (cited by Ocular Genomics Institute, Massachusetts Eye and Ear and NIHR Bioresource Rare Diseases, University of Cambridge).